The following is an entry in ClinVar:

ClinVar aggregate classification (germline): Uncertain significance (1 of 4 stars; one submission).

Submission:

Labcorp Genetics (formerly Invitae), Labcorp
Classification: Uncertain significance. Last evaluated: 2022-07-23. Review status: criteria provided, single submitter. Criteria: Invitae Variant Classification Sherloc (09022015). Collection method: clinical testing. Allele origin: germline.
Comment: Algorithms developed to predict the effect of sequence changes on RNA splicing suggest that this variant may create or strengthen a splice site. In summary, the available evidence is currently insufficient to determine the role of this variant in disease. Therefore, it has been classified as a Variant of Uncertain Significance. Algorithms developed to predict the effect of missense changes on protein structure and function are either unavailable or do not agree on the potential impact of this missense change (SIFT: "Deleterious"; PolyPhen-2: "Benign"; Align-GVGD: "Class C65"). This sequence change replaces glutamic acid, which is acidic and polar, with valine, which is neutral and non-polar, at codon 432 of the EPHB4 protein (p.Glu432Val). This variant is not present in population databases (gnomAD no frequency). This variant has not been reported in the literature in individuals affected with EPHB4-related conditions.

NM_004444.5(EPHB4):c.1295A>T (p.Glu432Val)

Gene: EPHB4 (EPH receptor B4; minus strand). Cytogenetic location: 7q22.1.
Variant type: single nucleotide variant.
Coding change: c.1295A>T on transcript NM_004444.5 (MANE Select); coding-DNA position 1295, A replaced by T.
Protein change: p.Glu432Val; replaces glutamic acid 432 with valine.
Molecular consequence: missense variant.
Genome position (GRCh38, 1-based): chr7:100,819,559, T>A on the plus strand (A>T on the coding strand, the complement: EPHB4 is on the minus strand). VCF-style: chr7-100819559-T-A. GRCh37 (hg19) VCF-style: chr7-100417181-T-A.
Other names: short protein forms E432V.
Identifiers: ClinVar variation 2010774 (VCV002010774.4), dbSNP rs2485035382, ClinGen allele CA368574240.